The following is an entry in ClinVar:

NM_003073.5(SMARCB1):c.857A>G (p.Lys286Arg)

Gene: SMARCB1 (SWI/SNF related BAF chromatin remodeling complex subunit B1; plus strand). Cytogenetic location: 22q11.23.
Variant type: single nucleotide variant.
Coding change: c.857A>G on transcript NM_003073.5 (MANE Select); coding-DNA position 857, A replaced by G.
Protein change: p.Lys286Arg; replaces lysine 286 with arginine.
Molecular consequence: missense variant.
Genome position (GRCh38, 1-based): chr22:23,825,286, A>G. VCF-style: chr22-23825286-A-G. GRCh37 (hg19) VCF-style: chr22-24167473-A-G.
Other names: c.857A>G (NM_003073.3); c.830A>G, p.Lys277Arg (NM_001007468.3); c.884A>G, p.Lys295Arg (NM_001317946.2); c.911A>G, p.Lys304Arg (NM_001362877.2); short protein forms K277R, K286R, K295R, K304R.
Identifiers: ClinVar variation 1470226 (VCV001470226.7), dbSNP rs2146026825, ClinGen allele CA410907096.
Genomic context (GRCh38, chr22:23,825,286, plus strand): 5'-TGAACATCCATGTGGGAAACATTTCCCTGGTGGACCAGTTTGAGTGGGACATGTCAGAGA[A>G]GGAGAACTCACCAGAGAAGTTTGCCCTGAAGCTGTGCTCGGAGCTGGGGTTGGGCGGGGA-3'
Protein context (NP_003064.2, residues 276-296): VDQFEWDMSE[Lys286Arg]ENSPEKFALK

ClinVar aggregate classification (germline): Uncertain significance. Review status: criteria provided, multiple submitters, no conflicts (2 of 4 stars). 2 submissions from 2 submitters: Uncertain significance (2). Last evaluated 2025-09-12.

Conditions:
Hereditary cancer-predisposing syndrome. Also called: Tumor predisposition; Hereditary Cancer Syndrome; Hereditary neoplastic syndrome; Neoplastic Syndromes, Hereditary. Identifiers: Orphanet 140162, MedGen C0027672, MeSH D009386, MONDO:0015356.

Submissions (2):

Ambry Genetics
Classification: Uncertain significance for Hereditary cancer-predisposing syndrome. Last evaluated: 2025-09-12. Review status: criteria provided, single submitter. Criteria: Ambry Variant Classification Scheme 2023. Collection method: clinical testing. Allele origin: germline.
Comment: The p.K286R variant (also known as c.857A>G), located in coding exon 7 of the SMARCB1 gene, results from an A to G substitution at nucleotide position 857. The lysine at codon 286 is replaced by arginine, an amino acid with highly similar properties. This amino acid position is conserved. In addition, this alteration is predicted to be tolerated by in silico analysis. Based on the available evidence, the clinical significance of this variant remains unclear.

Labcorp Genetics (formerly Invitae), Labcorp
Classification: Uncertain significance. Last evaluated: 2021-07-29. Review status: criteria provided, single submitter. Criteria: Invitae Variant Classification Sherloc (09022015). Collection method: clinical testing. Allele origin: germline.
Comment: This variant has not been reported in the literature in individuals affected with SMARCB1-related conditions. In summary, the available evidence is currently insufficient to determine the role of this variant in disease. Therefore, it has been classified as a Variant of Uncertain Significance. Algorithms developed to predict the effect of missense changes on protein structure and function (SIFT, PolyPhen-2, Align-GVGD) all suggest that this variant is likely to be tolerated. This variant is not present in population databases (ExAC no frequency). This sequence change replaces lysine with arginine at codon 286 of the SMARCB1 protein (p.Lys286Arg). The lysine residue is moderately conserved and there is a small physicochemical difference between lysine and arginine.